The following is an entry in ClinVar:

NM_001385012.1(NBEA):c.433C>T (p.Arg145Ter)

Gene: NBEA (neurobeachin; plus strand). Cytogenetic location: 13q13.3.
Variant type: single nucleotide variant.
Coding change: c.433C>T on transcript NM_001385012.1 (MANE Select); coding-DNA position 433, C replaced by T.
Protein change: p.Arg145Ter; replaces arginine 145 with a stop codon.
Molecular consequence: nonsense.
Genome position (GRCh38, 1-based): chr13:35,041,071, C>T. VCF-style: chr13-35041071-C-T. GRCh37 (hg19) VCF-style: chr13-35615208-C-T.
Other names: c.433C>T, p.Arg145Ter (NM_001379245.1, NM_015678.5); short protein forms R145*.
Identifiers: ClinVar variation 1678665 (VCV001678665.7), dbSNP rs1215568155, ClinGen allele CA387979288.

ClinVar aggregate classification (germline): Pathogenic/Likely pathogenic. Review status: criteria provided, multiple submitters, no conflicts (2 of 4 stars). 3 submissions from 3 submitters: Pathogenic (1); Likely pathogenic (1). 1 of the submissions does not count toward it. Last evaluated 2024-10-04.

Conditions:
NBEA-related disorder. Also called: NBEA-related condition.

Allele frequency attached by ClinVar (database versions not stated): TOPMed below 0.00001.

Submissions (3):

Blueprint Genetics
Classification: Likely pathogenic for NBEA-related disorders. Last evaluated: 2024-10-04. Review status: criteria provided, single submitter. Criteria: ACMG Guidelines, 2015. Collection method: clinical testing. Allele origin: germline. Affected: yes. Observed: 1 variant allele.

GeneDx
Classification: Pathogenic. Last evaluated: 2023-08-25. Review status: criteria provided, single submitter. Criteria: GeneDx Variant Classification Process June 2021. Collection method: clinical testing. Allele origin: germline. Affected: yes.
Comment: Nonsense variant predicted to result in protein truncation or nonsense mediated decay in a gene for which loss-of-function is a known mechanism of disease; Not observed at significant frequency in large population cohorts (gnomAD); This variant is associated with the following publications: (PMID: 35982160, 36863698, 35982159, 31452935)

PreventionGenetics, part of Exact Sciences
Classification: Likely pathogenic for NBEA-related condition. Last evaluated: 2023-11-03. Review status: no assertion criteria provided. Collection method: clinical testing. Allele origin: germline. Not counted in ClinVar's aggregate classification.
Comment: The NBEA c.433C>T variant is predicted to result in premature protein termination (p.Arg145*). This variant has been reported as having arisen de novo in an individual with autism spectrum disorder (Feliciano et al. 2019. PubMed ID: 31452935). This variant has not been reported in a large population database, indicating this variant is rare. Nonsense variants in NBEA are expected to be pathogenic. This variant is interpreted as likely pathogenic.